The following is an entry in ClinVar:

ClinVar aggregate classification (germline): Uncertain significance. Review status: criteria provided, multiple submitters, no conflicts (2 of 4 stars). 2 submissions from 2 submitters: Uncertain significance (2). Last evaluated 2024-09-05.

Allele frequency attached by ClinVar (database versions not stated): ExAC 0.00023; gnomAD 0.00025 and 0.00027; TOPMed 0.00026; gnomAD exomes 0.00027; ESP Exome Variant Server 0.00033.
gnomAD v4.1: 762 of 1,601,564 alleles (0.048%); highest among the groups gnomAD compares: Non-Finnish European, 0.063%; no homozygotes.

Submissions (2):

Blueprint Genetics
Classification: Uncertain significance. Last evaluated: 2024-09-05. Review status: criteria provided, single submitter. Criteria: ACMG Guidelines, 2015. Collection method: clinical testing. Allele origin: germline.

Labcorp Genetics (formerly Invitae), Labcorp
Classification: Uncertain significance. Last evaluated: 2022-09-19. Review status: criteria provided, single submitter. Criteria: Invitae Variant Classification Sherloc (09022015). Collection method: clinical testing. Allele origin: germline.
Comment: This sequence change replaces aspartic acid, which is acidic and polar, with glutamic acid, which is acidic and polar, at codon 623 of the CARMIL2 protein (p.Asp623Glu). This variant is present in population databases (rs202168339, gnomAD 0.06%). This missense change has been observed in individual(s) with ulcerative colitis (PMID: 33723309). ClinVar contains an entry for this variant (Variation ID: 1351691). Advanced modeling of protein sequence and biophysical properties (such as structural, functional, and spatial information, amino acid conservation, physicochemical variation, residue mobility, and thermodynamic stability) performed at Invitae indicates that this missense variant is expected to disrupt CARMIL2 protein function. In summary, the available evidence is currently insufficient to determine the role of this variant in disease. Therefore, it has been classified as a Variant of Uncertain Significance.

Literature cited by the submitters: PubMed 33723309 (cited by Labcorp Genetics (formerly Invitae), Labcorp).

NM_001013838.3(CARMIL2):c.1869C>A (p.Asp623Glu)

Gene: CARMIL2 (capping protein regulator and myosin 1 linker 2; plus strand). Cytogenetic location: 16q22.1.
Variant type: single nucleotide variant.
Coding change: c.1869C>A on transcript NM_001013838.3 (MANE Select); coding-DNA position 1869, C replaced by A.
Protein change: p.Asp623Glu; replaces aspartic acid 623 with glutamic acid.
Molecular consequence: missense variant.
Genome position (GRCh38, 1-based): chr16:67,649,569, C>A. VCF-style: chr16-67649569-C-A. GRCh37 (hg19) VCF-style: chr16-67683472-C-A.
Other names: c.1761C>A, p.Asp587Glu (NM_001317026.3); short protein forms D587E, D623E.
Identifiers: ClinVar variation 1351691 (VCV001351691.4), dbSNP rs202168339, ClinGen allele CA8113581.
Genomic context (GRCh38, chr16:67,649,569, plus strand): 5'-GGCCCTAGCCACCAATCCTAACCTGACCGCGCTGGATATCAGCGGCAACGCCATGGGGGA[C>A]GCGGGCGCCAAGTTGCTGGCCAAGGCGCTGCGGGTCAACTCGAGGCTCCGGTGGGCGGGG-3'
Protein context (NP_001013860.1, residues 613-633): ALDISGNAMG[Asp623Glu]AGAKLLAKAL